The following is an entry in ClinVar:

NM_004655.4(AXIN2):c.888C>T (p.Ser296=)

Gene: AXIN2 (axin 2; minus strand). Cytogenetic location: 17q24.1.
Variant type: single nucleotide variant.
Coding change: c.888C>T on transcript NM_004655.4 (MANE Select); coding-DNA position 888, C replaced by T.
Protein change: p.Ser296=; no amino-acid change (serine 296 retained).
Molecular consequence: synonymous variant.
Genome position (GRCh38, 1-based): chr17:65,549,588, G>A on the plus strand (C>T on the coding strand, the complement: AXIN2 is on the minus strand). VCF-style: chr17-65549588-G-A. GRCh37 (hg19) VCF-style: chr17-63545706-G-A.
Other names: c.888C>T (LRG_296t1); c.888C>T, p.Ser296= (NM_001363813.1).
Identifiers: ClinVar variation 392788 (VCV000392788.24), dbSNP rs755968982, ClinGen allele CA8718952.

ClinVar aggregate classification (germline): Benign/Likely benign. Review status: criteria provided, multiple submitters, no conflicts (2 of 4 stars). 5 submissions from 5 submitters: Benign (1); Likely benign (4). Last evaluated 2026-01-26.

Conditions:
Hereditary cancer-predisposing syndrome. Also called: Neoplastic Syndromes, Hereditary; Hereditary neoplastic syndrome; Tumor predisposition; Hereditary Cancer Syndrome. Identifiers: Orphanet 140162, MedGen C0027672, MeSH D009386, MONDO:0015356.
Oligodontia-cancer predisposition syndrome. Also called: TOOTH AGENESIS-COLORECTAL CANCER SYNDROME. Identifiers: Orphanet 300576, MedGen C1837750, MONDO:0012075, OMIM 608615. Disease mechanism: loss of function.

Allele frequency attached by ClinVar (database versions not stated): gnomAD exomes 0.00002 and 0.00003; TOPMed 0.00002; ExAC 0.00003; gnomAD 0.00003 and 0.00004.

Submissions (5):

Labcorp Genetics (formerly Invitae), Labcorp
Classification: Likely benign for Oligodontia-cancer predisposition syndrome. Last evaluated: 2026-01-26. Review status: criteria provided, single submitter. Criteria: Invitae Variant Classification Sherloc (09022015). Collection method: clinical testing. Allele origin: germline.

CeGaT Center for Human Genetics Tuebingen
Classification: Likely benign. Last evaluated: 2025-10-01. Review status: criteria provided, single submitter. Criteria: CeGaT Center For Human Genetics Tuebingen Variant Classification Criteria Version 2. Collection method: clinical testing. Allele origin: germline. Affected: yes. Observed: 1 variant allele.
Comment: AXIN2: BP4, BP7

Myriad Genetics, Inc.
Classification: Benign for Oligodontia-cancer predisposition syndrome. Last evaluated: 2024-06-28. Review status: criteria provided, single submitter. Criteria: Myriad Autosomal Dominant, Autosomal Recessive and X-Linked Classification Criteria (2023). Collection method: clinical testing. Allele origin: unknown.
Comment: This variant is considered benign. This variant is a silent/synonymous amino acid change and it is not expected to impact splicing.

GeneDx
Classification: Likely benign. Last evaluated: 2020-05-14. Review status: criteria provided, single submitter. Criteria: GeneDx Variant Classification Process June 2021. Collection method: clinical testing. Allele origin: germline. Affected: yes.

Ambry Genetics
Classification: Likely benign for Hereditary cancer-predisposing syndrome. Last evaluated: 2020-01-17. Review status: criteria provided, single submitter. Criteria: Ambry Variant Classification Scheme 2023. Collection method: clinical testing. Allele origin: germline.